The following is an entry in ClinVar:

ClinVar aggregate classification (germline): Uncertain significance (1 of 4 stars; one submission).

Submission:

Centre for Clinical Genetics and Genomic Diagnostics, Zealand University Hospital
Classification: Uncertain significance. Last evaluated: 2025-10-29. Review status: criteria provided, single submitter. Criteria: ACMG Guidelines, 2015. Collection method: clinical testing. Allele origin: germline. Inheritance: Autosomal dominant inheritance. Affected: yes. Observed: 1 heterozygote.
Comment: The variant was relatively rare in gnomAD v4.1.0 (10 alleles out of 152210). In silico algorithm for splicing (spliceAI) predicted a truncation of the first exon of NLRC4 (NM_001199138.2), which only harbors part of the 5'UTR of the encoded mRNA. This could lead to a functional transcript. However, in silico evidence can not necessarily predict the true effect, and a nonsense effect could not be ruled out with complete certaincy. In summary the NM_001199138.2:c.-119+1G>T variant meets our criteria to be classified as of unknown significance.

NM_001199138.2(NLRC4):c.-119+1G>T

Gene: NLRC4 (NLR family CARD domain containing 4; minus strand). Cytogenetic location: 2p22.3.
Variant type: single nucleotide variant.
Coding change: c.-119+1G>T on transcript NM_001199138.2 (MANE Select); the canonical splice donor site of the intron after 119 bases upstream of the start codon, G replaced by T.
Molecular consequence: splice donor variant. On other transcripts: intron variant (3).
Genome position (GRCh38, 1-based): chr2:32,264,737, C>A on the plus strand (G>T on the coding strand, the complement: NLRC4 is on the minus strand). VCF-style: chr2-32264737-C-A. GRCh37 (hg19) VCF-style: chr2-32489806-C-A.
Other names: c.-119+850G>T (NM_001302504.1, NM_021209.4); c.-119+858G>T (NM_001199139.1).
Identifiers: ClinVar variation 4528343 (VCV004528343.1).